The following is an entry in ClinVar:

NM_000081.4(LYST):c.2848G>A (p.Val950Ile)

Gene: LYST (lysosomal trafficking regulator; minus strand). Cytogenetic location: 1q42.3.
Variant type: single nucleotide variant.
Coding change: c.2848G>A on transcript NM_000081.4 (MANE Select); coding-DNA position 2848, G replaced by A.
Protein change: p.Val950Ile; replaces valine 950 with isoleucine.
Molecular consequence: missense variant.
Genome position (GRCh38, 1-based): chr1:235,806,288, C>T on the plus strand (G>A on the coding strand, the complement: LYST is on the minus strand). VCF-style: chr1-235806288-C-T. GRCh37 (hg19) VCF-style: chr1-235969588-C-T.
Other names: c.2848G>A, p.Val950Ile (NM_001301365.1); short protein forms V950I.
Identifiers: ClinVar variation 2093294 (VCV002093294.4), dbSNP rs2527078388, ClinGen allele CA344955006.
Genomic context (GRCh38, chr1:235,806,288, plus strand): 5'-TCCAACGACACATAGACCAAATGTCTGCTGCTTGGTGCATATGTTCAGGAGAAGGCAAGA[C>T]AAGGCTCTCGAGAGATATACATGGCAGCATATGACTTAAAGGCTCGCTGGCTGTGCTGTC-3'
Protein context (NP_000072.2, residues 940-960): MLPCISLESL[Val950Ile]LPSPEHMHQA

ClinVar aggregate classification (germline): Uncertain significance (1 of 4 stars; one submission).

Conditions:
Chédiak-Higashi syndrome (CHS). Also called: Chediak-Higashi Syndrome. Identifiers: Orphanet 167, MedGen C0007965, MONDO:0008963, OMIM 214500.

Submission:

Labcorp Genetics (formerly Invitae), Labcorp
Classification: Uncertain significance for Chédiak-Higashi syndrome. Last evaluated: 2022-06-12. Review status: criteria provided, single submitter. Criteria: Invitae Variant Classification Sherloc (09022015). Collection method: clinical testing. Allele origin: germline.
Comment: In summary, the available evidence is currently insufficient to determine the role of this variant in disease. Therefore, it has been classified as a Variant of Uncertain Significance. Algorithms developed to predict the effect of missense changes on protein structure and function output the following: SIFT: "Tolerated"; PolyPhen-2: "Benign"; Align-GVGD: "Class C0". The isoleucine amino acid residue is found in multiple mammalian species, which suggests that this missense change does not adversely affect protein function. This variant has not been reported in the literature in individuals affected with LYST-related conditions. This variant is not present in population databases (gnomAD no frequency). This sequence change replaces valine, which is neutral and non-polar, with isoleucine, which is neutral and non-polar, at codon 950 of the LYST protein (p.Val950Ile).